The following is an entry in ClinVar:

NM_021939.4(FKBP10):c.245+18C>T

Gene: FKBP10 (FKBP prolyl isomerase 10; plus strand). Cytogenetic location: 17q21.2.
Variant type: single nucleotide variant.
Coding change: c.245+18C>T on transcript NM_021939.4 (MANE Select); 18 bases into the intron after coding-DNA position 245, C replaced by T.
Molecular consequence: intron variant.
Genome position (GRCh38, 1-based): chr17:41,813,297, C>T. VCF-style: chr17-41813297-C-T. GRCh37 (hg19) VCF-style: chr17-39969549-C-T.
Identifiers: ClinVar variation 516227 (VCV000516227.11), dbSNP rs72835680, ClinGen allele CA8566149.

ClinVar aggregate classification (germline): Benign. Review status: criteria provided, multiple submitters, no conflicts (2 of 4 stars). 3 submissions from 3 submitters: Benign (3). Last evaluated 2026-02-04.

Allele frequency attached by ClinVar (database versions not stated): 1000 Genomes Project 0.06589; 1000 Genomes Project 30x 0.07355; gnomAD exomes 0.07519; ExAC 0.07799; gnomAD 0.09367 and 0.09685; TOPMed 0.10123; ESP Exome Variant Server 0.10557.
gnomAD v4.1: 146,884 of 1,612,934 alleles (9.1%); highest among the groups gnomAD compares: Middle Eastern, 12%; 7,433 homozygotes.

Submissions (3):

Labcorp Genetics (formerly Invitae), Labcorp
Classification: Benign. Last evaluated: 2026-02-04. Review status: criteria provided, single submitter. Criteria: Invitae Variant Classification Sherloc (09022015). Collection method: clinical testing. Allele origin: germline.

GeneDx
Classification: Benign. Last evaluated: 2017-07-30. Review status: criteria provided, single submitter. Criteria: GeneDx Variant Classification (06012015). Collection method: clinical testing. Allele origin: germline. Affected: yes.
Comment: This variant is considered likely benign or benign based on one or more of the following criteria: it is a conservative change, it occurs at a poorly conserved position in the protein, it is predicted to be benign by multiple in silico algorithms, and/or has population frequency not consistent with disease.

Breakthrough Genomics
Classification: Benign. Review status: criteria provided, single submitter. Criteria: ACMG Guidelines, 2015. Collection method: not provided. Allele origin: germline. Inheritance: Autosomal recessive inheritance. Affected: yes.